The following is an entry in ClinVar:

NM_001290060.2(SEMA3B):c.90C>T (p.Arg30=)

Gene: SEMA3B (semaphorin 3B; plus strand). Cytogenetic location: 3p21.31.
Variant type: single nucleotide variant.
Coding change: c.90C>T on transcript NM_001290060.2 (MANE Select); coding-DNA position 90, C replaced by T.
Protein change: p.Arg30=; no amino-acid change (arginine 30 retained).
Molecular consequence: synonymous variant.
Genome position (GRCh38, 1-based): chr3:50,269,330, C>T. VCF-style: chr3-50269330-C-T. GRCh37 (hg19) VCF-style: chr3-50306761-C-T.
Other names: c.90C>T, p.Arg30= (NM_001005914.3, NM_001290061.1, NM_004636.4).
Identifiers: ClinVar variation 3348500 (VCV003348500.1).

ClinVar aggregate classification (germline): Likely benign (0 of 4 stars; one submission).

Conditions:
SEMA3B-related disorder. Also called: SEMA3B-related condition.

Submission:

PreventionGenetics, part of Exact Sciences
Classification: Likely benign for SEMA3B-related condition. Last evaluated: 2024-03-23. Review status: no assertion criteria provided. Collection method: clinical testing. Allele origin: germline.
Comment: This variant is classified as likely benign based on ACMG/AMP sequence variant interpretation guidelines (Richards et al. 2015 PMID: 25741868, with internal and published modifications).